The following is an entry in ClinVar:

NM_000719.7(CACNA1C):c.375A>G (p.Pro125=)

Gene: CACNA1C (calcium voltage-gated channel subunit alpha1 C; plus strand). Cytogenetic location: 12p13.33.
Variant type: single nucleotide variant.
Coding change: c.375A>G on transcript NM_000719.7 (MANE Select); coding-DNA position 375, A replaced by G.
Protein change: p.Pro125=; no amino-acid change (proline 125 retained).
Molecular consequence: synonymous variant.
Genome position (GRCh38, 1-based): chr12:2,120,328, A>G. VCF-style: chr12-2120328-A-G. GRCh37 (hg19) VCF-style: chr12-2229494-A-G.
Other names: p.P125P:CCA>CCG; c.375A>G, p.Pro125= (NM_001129827.2, NM_001129829.2, NM_001129830.3 and 19 more transcripts).
Identifiers: ClinVar variation 136642 (VCV000136642.24), dbSNP rs587780882, ClinGen allele CA289920.

ClinVar aggregate classification (germline): Benign/Likely benign. Review status: criteria provided, multiple submitters, no conflicts (2 of 4 stars). 4 submissions from 4 submitters: Benign (2); Likely benign (2). Last evaluated 2025-11-06.

Conditions:
Cardiovascular phenotype. Identifiers: MedGen CN230736.
Long QT syndrome (LQTS). Identifiers: MedGen C0023976, MeSH D008133, MONDO:0002442. Disease mechanism: loss of function. Inheritance: Various modes of inheritance.

Allele frequency attached by ClinVar (database versions not stated): gnomAD exomes 0.00001 and 0.00006; gnomAD 0.00004; TOPMed 0.00005; ExAC 0.00006.
gnomAD v4.1: 22 of 1,514,324 alleles (0.0015%); highest among the groups gnomAD compares: East Asian, 0.038%; no homozygotes.

Submissions (4):

Labcorp Genetics (formerly Invitae), Labcorp
Classification: Likely benign for Long QT syndrome. Last evaluated: 2025-11-06. Review status: criteria provided, single submitter. Criteria: Invitae Variant Classification Sherloc (09022015). Collection method: clinical testing. Allele origin: germline.

Women's Health and Genetics/Laboratory Corporation of America, LabCorp
Classification: Benign. Last evaluated: 2019-05-13. Review status: criteria provided, single submitter. Criteria: LabCorp Variant Classification Summary - May 2015. Collection method: clinical testing. Allele origin: germline.
Comment: Variant summary: CACNA1C c.375A>G alters a non-conserved nucleotide resulting in a synonymous change. 5/5 computational tools predict no significant impact on normal splicing. However, these predictions have yet to be confirmed by functional studies. The variant allele was found at a frequency of 6e-05 in 249396 control chromosomes, predominantly at a frequency of 0.00077 within the East Asian subpopulation in the gnomAD database. The observed variant frequency within East Asian control individuals in the gnomAD database is approximately 80 fold of the estimated maximal expected allele frequency for a pathogenic variant in CACNA1C causing Arrhythmia phenotype (1e-05), strongly suggesting that the variant is a benign polymorphism found primarily in populations of East Asian origin. To our knowledge, no occurrence of c.375A>G in individuals affected with Arrhythmia and no experimental evidence demonstrating its impact on protein function have been reported. Two clinical diagnostic laboratories have submitted clinical-significance assessments for this variant to ClinVar after 2014 without evidence for independent evaluation, and both laboratories classified the variant as likely benign. Based on the evidence outlined above, the variant was classified as benign.

Ambry Genetics
Classification: Likely benign for Cardiovascular phenotype. Last evaluated: 2017-05-02. Review status: criteria provided, single submitter. Criteria: Ambry Variant Classification Scheme 2023. Collection method: clinical testing. Allele origin: germline.

GeneDx
Classification: Benign. Last evaluated: 2013-10-24. Review status: criteria provided, single submitter. Criteria: GeneDx Variant Classification (06012015). Collection method: clinical testing. Allele origin: germline. Affected: yes.
Comment: This variant is considered likely benign or benign based on one or more of the following criteria: it is a conservative change, it occurs at a poorly conserved position in the protein, it is predicted to be benign by multiple in silico algorithms, and/or has population frequency not consistent with disease.